The following is an entry in ClinVar:

ClinVar aggregate classification (germline): Uncertain significance. Review status: criteria provided, multiple submitters, no conflicts (2 of 4 stars). 4 submissions from 4 submitters: Uncertain significance (4). Last evaluated 2025-01-22.

Conditions:
Cardiovascular phenotype. Identifiers: MedGen CN230736.
Arrhythmogenic cardiomyopathy with wooly hair and keratoderma. Also called: Arrhythmogenic cardiomyopathy with woolly hair and keratoderma; PALMOPLANTAR KERATODERMA WITH LEFT VENTRICULAR CARDIOMYOPATHY AND WOOLLY HAIR; Carvajal syndrome; Dilated cardiomyopathy with woolly hair and keratoderma. Identifiers: Orphanet 65282, MedGen C1854063, MONDO:0011581, OMIM 605676.
Arrhythmogenic right ventricular dysplasia 8 (ARVD8). Also called: Arrhythmogenic Right Ventricular Dysplasia/Cardiomyopathy 8; ARRHYTHMOGENIC RIGHT VENTRICULAR DYSPLASIA, FAMILIAL, 8; ARRHYTHMOGENIC RIGHT VENTRICULAR CARDIOMYOPATHY 8. Identifiers: MedGen C1843896, MONDO:0011831, OMIM 607450.

Allele frequency attached by ClinVar (database versions not stated): gnomAD exomes below 0.00001.

Submissions (4):

Ambry Genetics
Classification: Uncertain significance for Cardiovascular phenotype. Last evaluated: 2025-01-22. Review status: criteria provided, single submitter. Criteria: Ambry Variant Classification Scheme 2023. Collection method: clinical testing. Allele origin: germline.

Labcorp Genetics (formerly Invitae), Labcorp
Classification: Uncertain significance for Arrhythmogenic cardiomyopathy with wooly hair and keratoderma; Arrhythmogenic right ventricular dysplasia 8. Last evaluated: 2024-05-21. Review status: criteria provided, single submitter. Criteria: Invitae Variant Classification Sherloc (09022015). Collection method: clinical testing. Allele origin: germline.
Comment: This sequence change replaces tryptophan, which is neutral and slightly polar, with serine, which is neutral and polar, at codon 207 of the DSP protein (p.Trp207Ser). This variant is present in population databases (no rsID available, gnomAD 0.01%). This variant has not been reported in the literature in individuals affected with DSP-related conditions. ClinVar contains an entry for this variant (Variation ID: 1512144). An algorithm developed to predict the effect of missense changes on protein structure and function (PolyPhen-2) suggests that this variant is likely to be disruptive. In summary, the available evidence is currently insufficient to determine the role of this variant in disease. Therefore, it has been classified as a Variant of Uncertain Significance.

ARUP Laboratories, Molecular Genetics and Genomics, ARUP Laboratories
Classification: Uncertain significance. Last evaluated: 2023-12-01. Review status: criteria provided, single submitter. Criteria: ARUP Molecular Germline Variant Investigation Process 2024. Collection method: clinical testing. Allele origin: germline.
Comment: The DSP c.620G>C; p.Trp207Ser variant (rs1445705079), to our knowledge, is not reported in the medical literature but is reported in ClinVar (Variation ID: 1512144). This variant is only observed on one allele in the Genome Aggregation Database, indicating it is not a common polymorphism, but is considered a low confidence variant in the database. Computational analyses predict that this variant is deleterious (REVEL: 0.933). However, given the lack of clinical and functional data, the significance of this variant is uncertain at this time.

All of Us Research Program, National Institutes of Health
Classification: Uncertain significance for Arrhythmogenic cardiomyopathy with wooly hair and keratoderma. Last evaluated: 2023-08-15. Review status: criteria provided, single submitter. Criteria: ACMG Guidelines, 2015. Collection method: clinical testing. Allele origin: germline. Inheritance: Autosomal dominant inheritance. Observed: 2 variant alleles, 2 heterozygotes.
Comment: This missense variant replaces tryptophan with serine at codon 207 of the DSP protein. Computational prediction suggests that this variant may have deleterious impact on protein structure and function (internally defined REVEL score threshold >= 0.7, PMID: 27666373). To our knowledge, functional studies have not been reported for this variant. This variant has not been reported in individuals affected with DSP-related disorders in the literature. This variant has not been identified in the general population by the Genome Aggregation Database (gnomAD). The available evidence is insufficient to determine the role of this variant in disease conclusively. Therefore, this variant is classified as a Variant of Uncertain Significance.

This study involves interpretation of variants in research participants for the purpose of population health screening. Participant phenotype was not available at the time of variant classification. Additional details can be found in publication PMID: 35346344, PMCID: PMC8962531

NM_004415.4(DSP):c.620G>C (p.Trp207Ser)

Gene: DSP (desmoplakin; plus strand). Cytogenetic location: 6p24.3.
Variant type: single nucleotide variant.
Coding change: c.620G>C on transcript NM_004415.4 (MANE Select); coding-DNA position 620, G replaced by C.
Protein change: p.Trp207Ser; replaces tryptophan 207 with serine.
Molecular consequence: missense variant.
Genome position (GRCh38, 1-based): chr6:7,562,674, G>C. VCF-style: chr6-7562674-G-C. GRCh37 (hg19) VCF-style: chr6-7562907-G-C.
Other names: c.620G>C, p.Trp207Ser (NM_001008844.3, NM_001319034.2); c.620G>C (NM_004415.2); short protein forms W207S.
Identifiers: ClinVar variation 1512144 (VCV001512144.12), dbSNP rs1445705079, ClinGen allele CA362673148.